The following is an entry in ClinVar:

ClinVar aggregate classification (germline): Uncertain significance. Review status: criteria provided, multiple submitters, no conflicts (2 of 4 stars). 2 submissions from 2 submitters: Uncertain significance (2). Last evaluated 2024-09-05.

Conditions:
Hereditary cancer-predisposing syndrome. Also called: Tumor predisposition; Neoplastic Syndromes, Hereditary; Hereditary neoplastic syndrome; Hereditary Cancer Syndrome. Identifiers: Orphanet 140162, MedGen C0027672, MeSH D009386, MONDO:0015356.
Gorlin syndrome. Also called: Basal cell nevus syndrome; Nevoid Basal Cell Carcinoma Syndrome. Identifiers: Orphanet 377, MedGen C0004779, MONDO:0007187.

gnomAD v4.1: 1 of 1,614,132 alleles (0.000062%); highest among the groups gnomAD compares: Non-Finnish European, 0.000085%; no homozygotes.

Submissions (2):

Labcorp Genetics (formerly Invitae), Labcorp
Classification: Uncertain significance for Gorlin syndrome. Last evaluated: 2024-09-05. Review status: criteria provided, single submitter. Criteria: Invitae Variant Classification Sherloc (09022015). Collection method: clinical testing. Allele origin: germline.
Comment: This sequence change replaces valine, which is neutral and non-polar, with methionine, which is neutral and non-polar, at codon 988 of the PTCH1 protein (p.Val988Met). This variant is not present in population databases (gnomAD no frequency). This variant has not been reported in the literature in individuals affected with PTCH1-related conditions. ClinVar contains an entry for this variant (Variation ID: 2095793). Invitae Evidence Modeling of protein sequence and biophysical properties (such as structural, functional, and spatial information, amino acid conservation, physicochemical variation, residue mobility, and thermodynamic stability) indicates that this missense variant is not expected to disrupt PTCH1 protein function with a negative predictive value of 95%. In summary, the available evidence is currently insufficient to determine the role of this variant in disease. Therefore, it has been classified as a Variant of Uncertain Significance.

Ambry Genetics
Classification: Uncertain significance for Hereditary cancer-predisposing syndrome. Last evaluated: 2024-05-18. Review status: criteria provided, single submitter. Criteria: Ambry Variant Classification Scheme 2023. Collection method: clinical testing. Allele origin: germline.
Comment: The p.V988M variant (also known as c.2962G>A), located in coding exon 18 of the PTCH1 gene, results from a G to A substitution at nucleotide position 2962. The valine at codon 988 is replaced by methionine, an amino acid with highly similar properties. This amino acid position is conserved. In addition, the in silico prediction for this alteration is inconclusive. Based on the available evidence, the clinical significance of this variant remains unclear.

NM_000264.5(PTCH1):c.2962G>A (p.Val988Met)

Gene: PTCH1 (patched 1; minus strand). Cytogenetic location: 9q22.32.
Variant type: single nucleotide variant.
Coding change: c.2962G>A on transcript NM_000264.5 (MANE Select); coding-DNA position 2962, G replaced by A.
Protein change: p.Val988Met; replaces valine 988 with methionine.
Molecular consequence: missense variant. On other transcripts: non-coding transcript variant (1).
Genome position (GRCh38, 1-based): chr9:95,458,219, C>T on the plus strand (G>A on the coding strand, the complement: PTCH1 is on the minus strand). VCF-style: chr9-95458219-C-T. GRCh37 (hg19) VCF-style: chr9-98220501-C-T.
Other names: c.2764G>A, p.Val922Met (NM_001083602.3); c.2959G>A, p.Val987Met (NM_001083603.3); c.2509G>A, p.Val837Met (NM_001083604.3, NM_001083605.3, NM_001083606.3 and 1 more transcripts); c.2806G>A, p.Val936Met (NM_001354918.2); short protein forms V987M, V936M, V837M, V988M, V922M.
Identifiers: ClinVar variation 2095793 (VCV002095793.5), dbSNP rs1257244317, ClinGen allele CA374112690.